The following is an entry in ClinVar:

NM_018714.3(COG1):c.2008G>A (p.Val670Ile)

Gene: COG1 (component of oligomeric golgi complex 1; plus strand). Cytogenetic location: 17q25.1.
Variant type: single nucleotide variant.
Coding change: c.2008G>A on transcript NM_018714.3 (MANE Select); coding-DNA position 2008, G replaced by A.
Protein change: p.Val670Ile; replaces valine 670 with isoleucine.
Molecular consequence: missense variant.
Genome position (GRCh38, 1-based): chr17:73,201,835, G>A. VCF-style: chr17-73201835-G-A. GRCh37 (hg19) VCF-style: chr17-71197974-G-A.
Other names: c.2008G>A (NM_018714.2); short protein forms V670I.
Identifiers: ClinVar variation 2182935 (VCV002182935.5), dbSNP rs571615708, ClinGen allele CA8740327.

ClinVar aggregate classification (germline): Uncertain significance. Review status: criteria provided, multiple submitters, no conflicts (2 of 4 stars). 2 submissions from 2 submitters: Uncertain significance (2). Last evaluated 2025-07-12.

Conditions:
Inborn genetic diseases. Identifiers: MedGen C0950123, MeSH D030342.
COG1 congenital disorder of glycosylation (CDG2G). Also called: CDG IIg; CDGII/COG1 CEREBROCOSTOMANDIBULAR-LIKE SYNDROME; CONGENITAL DISORDER OF GLYCOSYLATION, TYPE IIg. Identifiers: Orphanet 263508, MedGen C2931011, MONDO:0012637, OMIM 611209.

Allele frequency attached by ClinVar (database versions not stated): gnomAD exomes below 0.00001; ExAC 0.00002; gnomAD 0.00005; TOPMed 0.00006; 1000 Genomes Project 30x 0.00016; 1000 Genomes Project 0.00020.
gnomAD v4.1: 16 of 1,614,218 alleles (0.00099%); highest among the groups gnomAD compares: African/African-American, 0.017%; no homozygotes.

Submissions (2):

Ambry Genetics
Classification: Uncertain significance for Inborn genetic diseases. Last evaluated: 2025-07-12. Review status: criteria provided, single submitter. Criteria: Ambry Variant Classification Scheme 2023. Collection method: clinical testing. Allele origin: germline.

Labcorp Genetics (formerly Invitae), Labcorp
Classification: Uncertain significance for COG1 congenital disorder of glycosylation. Last evaluated: 2024-06-08. Review status: criteria provided, single submitter. Criteria: Invitae Variant Classification Sherloc (09022015). Collection method: clinical testing. Allele origin: germline.
Comment: This sequence change replaces valine, which is neutral and non-polar, with isoleucine, which is neutral and non-polar, at codon 670 of the COG1 protein (p.Val670Ile). This variant is present in population databases (rs571615708, gnomAD 0.02%). This variant has not been reported in the literature in individuals affected with COG1-related conditions. ClinVar contains an entry for this variant (Variation ID: 2182935). Advanced modeling of protein sequence and biophysical properties (such as structural, functional, and spatial information, amino acid conservation, physicochemical variation, residue mobility, and thermodynamic stability) performed at Invitae indicates that this missense variant is not expected to disrupt COG1 protein function with a negative predictive value of 80%. In summary, the available evidence is currently insufficient to determine the role of this variant in disease. Therefore, it has been classified as a Variant of Uncertain Significance.